The following is an entry in ClinVar:

ClinVar aggregate classification (germline): Uncertain significance (1 of 4 stars; one submission).

Conditions:
Dilated cardiomyopathy 1G (CMD1G). Identifiers: Orphanet 154, MedGen C1858763, MONDO:0011400, OMIM 604145.
Autosomal recessive limb-girdle muscular dystrophy type 2J (LGMDR10). Also called: Limb-girdle muscular dystrophy, type 2J; MUSCULAR DYSTROPHY, LIMB-GIRDLE, AUTOSOMAL RECESSIVE 10. Identifiers: Orphanet 140922, MedGen C1837342, MONDO:0012127, OMIM 608807.

Submission:

Labcorp Genetics (formerly Invitae), Labcorp
Classification: Uncertain significance for Dilated cardiomyopathy 1G; Autosomal recessive limb-girdle muscular dystrophy type 2J. Last evaluated: 2019-12-27. Review status: criteria provided, single submitter. Criteria: Invitae Variant Classification Sherloc (09022015). Collection method: clinical testing. Allele origin: germline.
Comment: This sequence change replaces aspartic acid with tyrosine at codon 21265 of the TTN protein (p.Asp21265Tyr). There is a large physicochemical difference between aspartic acid and tyrosine. This variant also falls at the last nucleotide of exon 306 of the TTN coding sequence, which is part of the consensus splice site for this exon. Algorithms developed to predict the effect of missense changes on protein structure and function are unavailable for the TTN gene. This variant is located in the A band of TTN (PMID: 25589632). Variants in this region may be relevant for cardiac or neuromuscular disorders (PMID: 25589632, 23975875). In summary, the available evidence is currently insufficient to determine the role of this variant in disease. Therefore, it has been classified as a Variant of Uncertain Significance. Nucleotide substitutions within the consensus splice site are a relatively common cause of aberrant splicing (PMID: 17576681, 9536098). Algorithms developed to predict the effect of sequence changes on RNA splicing suggest that this variant may disrupt the consensus splice site, but this prediction has not been confirmed by published transcriptional studies. This variant has not been reported in the literature in individuals with TTN-related conditions. This variant is not present in population databases (ExAC no frequency).

Literature cited by the submitters: PubMed 25589632; PubMed 23975875; PubMed 17576681; PubMed 9536098.

NM_001267550.2(TTN):c.63793G>T (p.Asp21265Tyr)

Genes: TTN-AS1 (TTN antisense RNA 1; plus strand), TTN (titin; minus strand). Cytogenetic location: 2q31.2.
Variant type: single nucleotide variant.
Coding change: c.63793G>T on transcript NM_001267550.2 (MANE Select); coding-DNA position 63793, G replaced by T.
Protein change: p.Asp21265Tyr; replaces aspartic acid 21265 with tyrosine.
Molecular consequence: missense variant.
Genome position (GRCh38, 1-based): chr2:178,587,516, C>A on the plus strand (G>T on the coding strand, the complement: TTN is on the minus strand). VCF-style: chr2-178587516-C-A. GRCh37 (hg19) VCF-style: chr2-179452243-C-A.
Other names: c.58870G>T, p.Asp19624Tyr (NM_001256850.1); c.36598G>T, p.Asp12200Tyr (NM_003319.4); c.56089G>T, p.Asp18697Tyr (NM_133378.4); c.36973G>T, p.Asp12325Tyr (NM_133432.3); c.37174G>T, p.Asp12392Tyr (NM_133437.4); short protein forms D12392Y, D19624Y, D12200Y, D12325Y, D18697Y, D21265Y.
Identifiers: ClinVar variation 839111 (VCV000839111.8), dbSNP rs794729474, ClinGen allele CA349449121.
Genomic context (GRCh38, chr2:178,587,516, plus strand): 5'-AGCATCCCTATTAACAAATTCATTTTTGAAGTGGGAGGGAGAAGCATTTTAGTAACCCAC[C>A]TAATACTCTGACATTTACGAATACAGCCTTTTCTCCTGCTGGGTTCACAAGTGTTAAGGA-3'
Protein context (NP_001254479.2, residues 21255-21275): KAVFVNVRVL[Asp21265Tyr]TPGPVSDLKV